The following is an entry in ClinVar:

ClinVar aggregate classification (germline): Likely pathogenic (1 of 4 stars; one submission).

Submission:

Labcorp Genetics (formerly Invitae), Labcorp
Classification: Likely pathogenic. Last evaluated: 2021-08-26. Review status: criteria provided, single submitter. Criteria: Invitae Variant Classification Sherloc (09022015). Collection method: clinical testing. Allele origin: germline.
Comment: This variant is a gross deletion of the genomic region encompassing exon(s) 10-12 of the COL4A4 gene. This variant would be expected to be in-frame, preserving the integrity of the reading frame. A similar copy number variant has been observed in individual(s) with clinical features of Alport syndrome (Invitae). It has also been observed to segregate with disease in related individuals. This variant disrupts a region of the COL4A4 protein in which other variant(s) (p.Gly208Arg) have been observed in individuals with COL4A4-related conditions (PMID: 29669314). This suggests that this is a clinically significant region of the protein, and that variants that disrupt it are likely to be disease-causing. In summary, the currently available evidence indicates that the variant is pathogenic, but additional data are needed to prove that conclusively. Therefore, this variant has been classified as Likely Pathogenic.

Literature cited by the submitters: PubMed 29669314.

NC_000002.11:g.(?_227973277)_(227974022_?)del

Gene: COL4A4 (collagen type IV alpha 4 chain; minus strand). Cytogenetic location: 2q36.3.
Variant type: Deletion.
Identifiers: ClinVar variation 1494829 (VCV001494829.4).